The following is an entry in ClinVar:

NM_015404.4(WHRN):c.154G>T (p.Glu52Ter)

Gene: WHRN (whirlin; minus strand). Cytogenetic location: 9q32.
Variant type: single nucleotide variant.
Coding change: c.154G>T on transcript NM_015404.4 (MANE Select); coding-DNA position 154, G replaced by T.
Protein change: p.Glu52Ter; replaces glutamic acid 52 with a stop codon.
Molecular consequence: nonsense.
Genome position (GRCh38, 1-based): chr9:114,504,648, C>A on the plus strand (G>T on the coding strand, the complement: WHRN is on the minus strand). VCF-style: chr9-114504648-C-A. GRCh37 (hg19) VCF-style: chr9-117266928-C-A.
Other names: c.154G>T, p.Glu52Ter (NM_001173425.2); short protein forms E52*.
Identifiers: ClinVar variation 2134162 (VCV002134162.4), dbSNP rs763826577, ClinGen allele CA5206355.
Genomic context (GRCh38, chr9:114,504,648, plus strand): 5'-AGACGTTGCGGCGCGCGTGGTAAGCGTTCAGGCAGTGGGTGAACTGCTCCCGCTCCGCCT[C>A]GCTCAGCAGCGCGGTCAGCGCTTGGTGCAGCTGGCGCACGTTGGCAGACAGTAACCGCAG-3'

ClinVar aggregate classification (germline): Pathogenic (1 of 4 stars; one submission).

Allele frequency attached by ClinVar (database versions not stated): TOPMed below 0.00001; gnomAD 0.00001; ExAC 0.00003.
gnomAD v4.1: 2 of 1,606,226 alleles (0.00012%); highest among the groups gnomAD compares: African/African-American, 0.0013%; no homozygotes.

Submission:

Labcorp Genetics (formerly Invitae), Labcorp
Classification: Pathogenic. Last evaluated: 2022-08-22. Review status: criteria provided, single submitter. Criteria: Invitae Variant Classification Sherloc (09022015). Collection method: clinical testing. Allele origin: germline.
Comment: This sequence change creates a premature translational stop signal (p.Glu52*) in the WHRN gene. It is expected to result in an absent or disrupted protein product. Loss-of-function variants in WHRN are known to be pathogenic (PMID: 12833159, 15841483, 22147658). For these reasons, this variant has been classified as Pathogenic. This variant has not been reported in the literature in individuals affected with WHRN-related conditions. The frequency data for this variant in the population databases is considered unreliable, as metrics indicate poor data quality at this position in the gnomAD database.

Literature cited by the submitters: PubMed 12833159; PubMed 15841483; PubMed 22147658.